The following is an entry in ClinVar:

ClinVar aggregate classification (germline): Pathogenic (1 of 4 stars; one submission).

Conditions:
Hyperammonemic encephalopathy due to carbonic anhydrase VA deficiency. Also called: Carbonic anhydrase VA deficiency, hyperammonemia due to; Carbonic Anhydrase VA Deficiency. Identifiers: Orphanet 401948, MedGen C4706871, MONDO:0014332, OMIM 615751.

Submission:

Labcorp Genetics (formerly Invitae), Labcorp
Classification: Pathogenic for Hyperammonemic encephalopathy due to carbonic anhydrase VA deficiency. Last evaluated: 2024-03-20. Review status: criteria provided, single submitter. Criteria: Invitae Variant Classification Sherloc (09022015). Collection method: clinical testing. Allele origin: germline.
Comment: This sequence change creates a premature translational stop signal (p.Ser141Leufs*66) in the CA5A gene. It is expected to result in an absent or disrupted protein product. Loss-of-function variants in CA5A are known to be pathogenic (PMID: 24530203, 26913920). This variant is not present in population databases (gnomAD no frequency). This variant has not been reported in the literature in individuals affected with CA5A-related conditions. Algorithms developed to predict the effect of sequence changes on RNA splicing suggest that this variant may disrupt the consensus splice site. For these reasons, this variant has been classified as Pathogenic.

Literature cited by the submitters: PubMed 24530203; PubMed 26913920.

NM_001739.2(CA5A):c.419dup (p.Ser141fs)

Gene: CA5A (carbonic anhydrase 5A; minus strand). Cytogenetic location: 16q24.2.
Variant type: Duplication.
Coding change: c.419dup on transcript NM_001739.2 (MANE Select); coding-DNA position 419, one base duplicated (G; older notation c.419dupG).
Protein change: p.Ser141fs; shifts the reading frame from serine 141.
Molecular consequence: frameshift variant. On other transcripts: non-coding transcript variant (1).
Genome position (GRCh38, 1-based): chr16:87,904,826, C duplicated on the plus strand (G on the coding strand, the reverse complement: CA5A is on the minus strand); the first of 6 consecutive C bases (chr16:87,904,826-87,904,831); duplicating any one gives the same sequence. VCF-style (leftmost placement, unchanged base first): chr16-87904825-G-GC. GRCh37 (hg19) VCF-style: chr16-87938431-G-GC.
Other names: c.419dup, p.Ser141fs (NM_001367225.1); short protein forms S141fs.
Identifiers: ClinVar variation 3645507 (VCV003645507.2).